The following is an entry in ClinVar:

ClinVar aggregate classification (germline): Uncertain significance (1 of 4 stars; one submission).

Conditions:
Cardiovascular phenotype. Identifiers: MedGen CN230736.

Submission:

Ambry Genetics
Classification: Uncertain significance for Cardiovascular phenotype. Last evaluated: 2026-09-11. Review status: criteria provided, single submitter. Criteria: Ambry Variant Classification Scheme 2023. Collection method: clinical testing. Allele origin: germline.
Comment: The p.I852M variant (also known as c.2556C>G), located in coding exon 25 of the MYBPC3 gene, results from a C to G substitution at nucleotide position 2556. The isoleucine at codon 852 is replaced by methionine, an amino acid with highly similar properties. This amino acid position is conserved. In addition, this alteration is predicted to be tolerated by in silico analysis. Based on the available evidence, the clinical significance of this variant remains unclear.

NM_000256.3(MYBPC3):c.2556C>G (p.Ile852Met)

Gene: MYBPC3 (myosin binding protein C3; minus strand). Cytogenetic location: 11p11.2.
Variant type: single nucleotide variant.
Coding change: c.2556C>G on transcript NM_000256.3 (MANE Select); coding-DNA position 2556, C replaced by G.
Protein change: p.Ile852Met; replaces isoleucine 852 with methionine.
Molecular consequence: missense variant.
Genome position (GRCh38, 1-based): chr11:47,337,437, G>C on the plus strand (C>G on the coding strand, the complement: MYBPC3 is on the minus strand). VCF-style: chr11-47337437-G-C. GRCh37 (hg19) VCF-style: chr11-47358988-G-C.
Other names: short protein forms I852M.
Identifiers: ClinVar variation 3915222 (VCV003915222.2).